The following is an entry in ClinVar:

NM_000169.3(GLA):c.817T>C (p.Phe273Leu)

Genes: GLA (galactosidase alpha; minus strand), RPL36A-HNRNPH2 (RPL36A-HNRNPH2 readthrough; plus strand). Cytogenetic location: Xq22.1.
Variant type: single nucleotide variant.
Coding change: c.817T>C on transcript NM_000169.3 (MANE Select); coding-DNA position 817, T replaced by C.
Protein change: p.Phe273Leu; replaces phenylalanine 273 with leucine.
Molecular consequence: missense variant. On other transcripts: non-coding transcript variant (3), intron variant (2).
Genome position (GRCh38, 1-based): chrX:101,398,552, A>G on the plus strand (T>C on the coding strand, the complement: GLA is on the minus strand). VCF-style: chrX-101398552-A-G. GRCh37 (hg19) VCF-style: chrX-100653540-A-G.
Other names: c.940T>C, p.Phe314Leu (NM_001406747.1); c.817T>C, p.Phe273Leu (NM_001406748.1); c.300+3095A>G (NM_001199973.2); c.177+6730A>G (NM_001199974.2); short protein forms F273L, F314L.
Identifiers: ClinVar variation 4087529 (VCV004087529.2).

ClinVar aggregate classification (germline): Likely pathogenic (1 of 4 stars; one submission).

Conditions:
Fabry disease. Also called: ALPHA-GALACTOSIDASE A DEFICIENCY; ANDERSON-FABRY DISEASE; CERAMIDE TRIHEXOSIDASE DEFICIENCY; GLA DEFICIENCY; HEREDITARY DYSTOPIC LIPIDOSIS; Angiokeratoma corporis diffusum. Identifiers: Orphanet 324, MedGen C0002986, MONDO:0010526, OMIM 301500, HP:0001071. Disease mechanism: Fabry disease is due to inactivating mutations in the X-linked GLA gene resulting in deficiency of the enzyme Alpha Galactosidase-A., loss of function.

Submission:

Genomenon, Inc
Classification: Likely pathogenic for Fabry disease. Last evaluated: 2026-09-08. Review status: criteria provided, single submitter. Criteria: Genomenon Sequence Variant Interpretation Standards - Updated. Collection method: curation. Allele origin: germline. Affected: yes.
Comment: GLA p.Phe273Leu (c.817T>C) is a missense variant that changes the amino acid at codon 273 from Phenylalanine to Leucine. This variant has been observed in at least one proband with clinical features consistent with Fabry disease (PMID:27560961). At least one functional study has demonstrated a substantial alteration in protein function relative to the wild-type (PMID:27657681;23935525). It is absent or not present at a significant frequency in gnomAD. In silico models predict that this variant is possibly or probably damaging. In conclusion, we classify GLA p.Phe273Leu (c.817T>C) as a likely pathogenic variant.

Literature cited by the submitters: PubMed 27560961; PubMed 27657681; PubMed 23935525.